The following is an entry in ClinVar:

NM_004006.3(DMD):c.2810A>C (p.Asp937Ala)

Gene: DMD (dystrophin; minus strand). Cytogenetic location: Xp21.1.
Variant type: single nucleotide variant.
Coding change: c.2810A>C on transcript NM_004006.3 (MANE Select); coding-DNA position 2810, A replaced by C.
Protein change: p.Asp937Ala; replaces aspartic acid 937 with alanine.
Molecular consequence: missense variant.
Genome position (GRCh38, 1-based): chrX:32,472,303, T>G on the plus strand (A>C on the coding strand, the complement: DMD is on the minus strand). VCF-style: chrX-32472303-T-G. GRCh37 (hg19) VCF-style: chrX-32490420-T-G.
Other names: c.2786A>C, p.Asp929Ala (NM_000109.4); c.2798A>C, p.Asp933Ala (NM_004009.3); c.2441A>C, p.Asp814Ala (NM_004010.3); c.2810A>C (NM_004006.2); short protein forms D929A, D933A, D937A, D814A.
Identifiers: ClinVar variation 1491970 (VCV001491970.9), dbSNP rs768386277, ClinGen allele CA412668273.
Genomic context (GRCh38, chrX:32,472,303, plus strand): 5'-TGCTGGACCCATGTCCTGATGGCACTCATGGTCTCCTGATAGCGCATTGGTGGCAAAGTG[T>G]CAAAAACTTTATCAAAAGGGAAAAAAGAATGAGAATCACTTAATTGTTTCACACTTTGCC-3'
Protein context (NP_003997.2, residues 927-947): AREKELQTIF[Asp937Ala]TLPPMRYQET

ClinVar aggregate classification (germline): Uncertain significance. Review status: criteria provided, multiple submitters, no conflicts (2 of 4 stars). 2 submissions from 2 submitters: Uncertain significance (2). Last evaluated 2022-10-26.

Conditions:
Duchenne muscular dystrophy (DMD). Also called: Duchenne Muscular Dystrophy (DMD); MUSCULAR DYSTROPHY, PSEUDOHYPERTROPHIC PROGRESSIVE, DUCHENNE TYPE. Identifiers: Orphanet 98896, MedGen C0013264, MONDO:0010679, OMIM 310200.

Submissions (2):

GeneDx
Classification: Uncertain significance. Last evaluated: 2022-10-26. Review status: criteria provided, single submitter. Criteria: GeneDx Variant Classification Process June 2021. Collection method: clinical testing. Allele origin: germline. Affected: yes.
Comment: Not observed at significant frequency in large population cohorts (gnomAD); In silico analysis supports that this missense variant has a deleterious effect on protein structure/function; Missense variant in a gene in which most reported pathogenic variants are truncating/loss of function; Has not been previously published as pathogenic or benign to our knowledge

Labcorp Genetics (formerly Invitae), Labcorp
Classification: Uncertain significance for Duchenne muscular dystrophy. Last evaluated: 2020-12-08. Review status: criteria provided, single submitter. Criteria: Invitae Variant Classification Sherloc (09022015). Collection method: clinical testing. Allele origin: germline.
Comment: In summary, the available evidence is currently insufficient to determine the role of this variant in disease. Therefore, it has been classified as a Variant of Uncertain Significance. Algorithms developed to predict the effect of missense changes on protein structure and function are either unavailable or do not agree on the potential impact of this missense change (SIFT: "Tolerated"; PolyPhen-2: "Probably Damaging"; Align-GVGD: "Class C15"). This variant has not been reported in the literature in individuals with DMD-related conditions. This variant is not present in population databases (ExAC no frequency). This sequence change replaces aspartic acid with alanine at codon 937 of the DMD protein (p.Asp937Ala). The aspartic acid residue is highly conserved and there is a moderate physicochemical difference between aspartic acid and alanine.